The following is an entry in ClinVar:

ClinVar aggregate classification (germline): Uncertain significance (1 of 4 stars; one submission).

Conditions:
Short-rib thoracic dysplasia 13 with or without polydactyly (SRTD13). Identifiers: Orphanet 474, MedGen C4225378, MONDO:0014577, OMIM 616300.

Allele frequency attached by ClinVar (database versions not stated): gnomAD 0.00001; TOPMed 0.00001; gnomAD exomes 0.00003; ExAC 0.00004; 1000 Genomes Project 30x 0.00016; 1000 Genomes Project 0.00020.
gnomAD v4.1: 47 of 1,611,954 alleles (0.0029%); highest among the groups gnomAD compares: South Asian, 0.011%; 1 homozygote.

Submission:

Labcorp Genetics (formerly Invitae), Labcorp
Classification: Uncertain significance for Short-rib thoracic dysplasia 13 with or without polydactyly. Last evaluated: 2022-09-01. Review status: criteria provided, single submitter. Criteria: Invitae Variant Classification Sherloc (09022015). Collection method: clinical testing. Allele origin: germline.
Comment: In summary, the available evidence is currently insufficient to determine the role of this variant in disease. Therefore, it has been classified as a Variant of Uncertain Significance. Algorithms developed to predict the effect of missense changes on protein structure and function are either unavailable or do not agree on the potential impact of this missense change (SIFT: "Deleterious"; PolyPhen-2: "Probably Damaging"; Align-GVGD: "Class C15"). This variant has not been reported in the literature in individuals affected with CEP120-related conditions. This variant is present in population databases (rs558077093, gnomAD 0.01%). This sequence change replaces glycine, which is neutral and non-polar, with arginine, which is basic and polar, at codon 36 of the CEP120 protein (p.Gly36Arg).

NM_001375405.1(CEP120):c.106G>A (p.Gly36Arg)

Gene: CEP120 (centrosomal protein 120; minus strand). Cytogenetic location: 5q23.2.
Variant type: single nucleotide variant.
Coding change: c.106G>A on transcript NM_001375405.1 (MANE Select); coding-DNA position 106, G replaced by A.
Protein change: p.Gly36Arg; replaces glycine 36 with arginine.
Molecular consequence: missense variant. On other transcripts: 5 prime UTR variant (2), non-coding transcript variant (1).
Genome position (GRCh38, 1-based): chr5:123,418,459, C>T on the plus strand (G>A on the coding strand, the complement: CEP120 is on the minus strand). VCF-style: chr5-123418459-C-T. GRCh37 (hg19) VCF-style: chr5-122754153-C-T.
Other names: c.28G>A, p.Gly10Arg (NM_001166226.2); c.106G>A, p.Gly36Arg (NM_001375406.1, NM_001375407.1, NM_153223.4); c.-643G>A (NM_001375408.1); c.-585G>A (NM_001375409.1); short protein forms G10R, G36R.
Identifiers: ClinVar variation 1946092 (VCV001946092.5), dbSNP rs558077093, ClinGen allele CA3387341.